The following is an entry in ClinVar:

ClinVar aggregate classification (germline): Likely benign (0 of 4 stars; one submission).

Conditions:
MYRF-related disorder. Also called: MYRF-related condition; MYRF-related disorders.

Allele frequency attached by ClinVar (database versions not stated): ExAC 0.08279.

Submission:

PreventionGenetics, part of Exact Sciences
Classification: Likely benign for MYRF-related condition. Last evaluated: 2023-01-28. Review status: no assertion criteria provided. Collection method: clinical testing. Allele origin: germline.
Comment: This variant is classified as likely benign based on ACMG/AMP sequence variant interpretation guidelines (Richards et al. 2015 PMID: 25741868, with internal and published modifications).

NM_001127392.3(MYRF):c.570A>C (p.Pro190=)

Gene: MYRF (myelin regulatory factor; plus strand). Cytogenetic location: 11q12.2.
Variant type: single nucleotide variant.
Coding change: c.570A>C on transcript NM_001127392.3 (MANE Select); coding-DNA position 570, A replaced by C.
Protein change: p.Pro190=; no amino-acid change (proline 190 retained).
Molecular consequence: synonymous variant.
Genome position (GRCh38, 1-based): chr11:61,770,355, A>C. VCF-style: chr11-61770355-A-C. GRCh37 (hg19) VCF-style: chr11-61537827-A-C.
Other names: c.543A>C, p.Pro181= (NM_013279.4).
Identifiers: ClinVar variation 3037556 (VCV003037556.2), dbSNP rs780504743, ClinGen allele CA6037589.
Genomic context (GRCh38, chr11:61,770,355, plus strand): 5'-AGTGCCCTCCCGCCTGGAGCATCCGCCCCCACCTCCAGCCCACTTGCCAGGCCCCCCGCC[A>C]CCCCCACCACCCCCACCTCACTACCCTGTCCTGCAGCGGGATCTGTACATGAAGGCCGAG-3'
Protein context (NP_001120864.1, residues 180-200): PPPAHLPGPP[Pro190=]PPPPPPHYPV